The following is an entry in ClinVar:

ClinVar aggregate classification (germline): Uncertain significance (1 of 4 stars; one submission).

gnomAD v4.1: 1 of 1,203,922 alleles (0.000083%); highest among the groups gnomAD compares: African/African-American, 0.0017%; no homozygotes.

Submission:

Dasa
Classification: Uncertain significance. Last evaluated: 2025-08-12. Review status: criteria provided, single submitter. Criteria: DASA Assertion Criteria. Collection method: clinical testing. Allele origin: germline.
Comment: NM_001379451.1(BCORL1):c.87-5G>C is a splice-region variant. This variant is rare in population databases. Computational prediction algorithms are consistent with a benign effect. The currently available literature and clinical evidence are not sufficient to establish a definitive association between this variant and the reported condition. Therefore, this variant is classified as a variant of uncertain significance.

NM_001379451.1(BCORL1):c.87-5G>C

Gene: BCORL1 (BCL6 corepressor like 1; plus strand). Cytogenetic location: Xq26.1.
Variant type: single nucleotide variant.
Coding change: c.87-5G>C on transcript NM_001379451.1 (MANE Select); 5 bases into the intron before coding-DNA position 87, G replaced by C.
Molecular consequence: intron variant.
Genome position (GRCh38, 1-based): chrX:130,012,573, G>C. VCF-style: chrX-130012573-G-C. GRCh37 (hg19) VCF-style: chrX-129146549-G-C.
Other names: c.87-5G>C (NM_021946.5, NM_001441332.1, NM_001441328.1 and 7 more transcripts).
Identifiers: ClinVar variation 4885495 (VCV004885495.2).